The following is an entry in ClinVar:

ClinVar aggregate classification (germline): Benign (1 of 4 stars; one submission).

Allele frequency attached by ClinVar (database versions not stated): 1000 Genomes Project 30x 0.24235; 1000 Genomes Project 0.24800; TOPMed 0.28895; gnomAD 0.31837.
gnomAD v4.1: 46,994 of 151,718 alleles (31%); highest among the groups gnomAD compares: Non-Finnish European, 42%; 8,644 homozygotes.

Submission:

GeneDx
Classification: Benign. Last evaluated: 2018-06-14. Review status: criteria provided, single submitter. Criteria: GeneDx Variant Classification (06012015). Collection method: clinical testing. Allele origin: germline. Affected: yes.
Comment: This variant is considered likely benign or benign based on one or more of the following criteria: it is a conservative change, it occurs at a poorly conserved position in the protein, it is predicted to be benign by multiple in silico algorithms, and/or has population frequency not consistent with disease.

NM_006939.4(SOS2):c.214-265C>T

Gene: SOS2 (SOS Ras/Rho guanine nucleotide exchange factor 2; minus strand). Cytogenetic location: 14q21.3.
Variant type: single nucleotide variant.
Coding change: c.214-265C>T on transcript NM_006939.4 (MANE Select); 265 bases into the intron before coding-DNA position 214, C replaced by T.
Molecular consequence: intron variant.
Genome position (GRCh38, 1-based): chr14:50,201,349, G>A on the plus strand (C>T on the coding strand, the complement: SOS2 is on the minus strand). VCF-style: chr14-50201349-G-A. GRCh37 (hg19) VCF-style: chr14-50668067-G-A.
Identifiers: ClinVar variation 561865 (VCV000561865.1), dbSNP rs12882042, ClinGen allele CA13991577.